The following is an entry in ClinVar:

NM_020843.4(SCAPER):c.4048-6A>C

Gene: SCAPER (S-phase cyclin A associated protein in the ER; minus strand). Cytogenetic location: 15q24.3.
Variant type: single nucleotide variant.
Coding change: c.4048-6A>C on transcript NM_020843.4 (MANE Select); 6 bases into the intron before coding-DNA position 4048, A replaced by C.
Molecular consequence: intron variant.
Genome position (GRCh38, 1-based): chr15:76,351,294, T>G on the plus strand (A>C on the coding strand, the complement: SCAPER is on the minus strand). VCF-style: chr15-76351294-T-G. GRCh37 (hg19) VCF-style: chr15-76643635-T-G.
Other names: c.3664-6A>C (NM_001353011.2); c.3646-6A>C (NM_001353012.2, NM_001353010.2); c.4066-6A>C (NM_001353009.2); c.3310-6A>C (NM_001145923.2).
Identifiers: ClinVar variation 4985471 (VCV004985471.1).

ClinVar aggregate classification (germline): Likely benign (1 of 4 stars; one submission).

Conditions:
SCAPER-related disorder. Also called: SCAPER-related condition.

gnomAD v4.1: 2 of 1,606,426 alleles (0.00012%); highest among the groups gnomAD compares: Admixed American, 0.0034%; no homozygotes.

Submission:

PreventionGenetics, part of Exact Sciences
Classification: Likely benign for SCAPER-related condition. Last evaluated: 2024-11-26. Review status: criteria provided, single submitter. Criteria: ACMG Guidelines, 2015. Collection method: clinical testing. Allele origin: germline.
Comment: This variant is classified as likely benign based on ACMG/AMP sequence variant interpretation guidelines (Richards et al. 2015 PMID: 25741868, with internal and published modifications).